The following is an entry in ClinVar:

ClinVar aggregate classification (germline): Uncertain significance (1 of 4 stars; one submission).

Conditions:
Hereditary cancer-predisposing syndrome. Also called: Neoplastic Syndromes, Hereditary; Tumor predisposition; Hereditary Cancer Syndrome; Hereditary neoplastic syndrome. Identifiers: Orphanet 140162, MedGen C0027672, MeSH D009386, MONDO:0015356.

Submission:

Ambry Genetics
Classification: Uncertain significance for Hereditary cancer-predisposing syndrome. Last evaluated: 2018-02-12. Review status: criteria provided, single submitter. Criteria: Ambry Variant Classification Scheme 2023. Collection method: clinical testing. Allele origin: germline.
Comment: The c.2484_2486delGAA variant (also known as p.K829del) is located in coding exon 15 of the PMS2 gene. This variant results from an in-frame GAA deletion at nucleotide positions 2484 to 2486. This results in the in-frame deletion of a lysine at codon 829. This amino acid position is well conserved in available vertebrate species. Since supporting evidence is limited at this time, the clinical significance of this alteration remains unclear.

NM_000535.7(PMS2):c.2481GAA[1] (p.Lys829del)

Gene: PMS2 (PMS1 homolog 2, mismatch repair system component; minus strand). Cytogenetic location: 7p22.1.
Variant type: Microsatellite.
Coding change: c.2481GAA[1] on transcript NM_000535.7 (MANE Select); one copy of the 3-base unit GAA starting at c.2481; the reference has two copies in a row; one copy, 3 bases deleted.
Protein change: p.Lys829del; deletes lysine 829.
Molecular consequence: inframe deletion. On other transcripts: non-coding transcript variant (1).
Genome position (GRCh38, 1-based): chr7:5,973,502-5,973,504, TTC deleted on the plus strand (GAA on the coding strand, the reverse complement: PMS2 is on the minus strand); deleting any 3 consecutive bases within chr7:5,973,502-5,973,507 gives the same sequence; the position shown is the placement nearest the transcript's 3' end. VCF-style (leftmost placement, unchanged base first): chr7-5973501-TTTC-T. GRCh37 (hg19) VCF-style: chr7-6013132-TTTC-T.
Other names: c.2076GAA[1], p.Lys694del (NM_001322003.2, NM_001322004.2, NM_001322005.2); c.2325GAA[1], p.Lys777del (NM_001322006.2); c.2163GAA[1], p.Lys723del (NM_001322007.2, NM_001322008.2); c.2109GAA[1], p.Lys705del (NM_001322009.2); c.1920GAA[1], p.Lys642del (NM_001322010.2); c.1548GAA[1], p.Lys518del (NM_001322011.2, NM_001322012.2); c.1908GAA[1], p.Lys638del (NM_001322013.2); c.2514GAA[1], p.Lys840del (NM_001322014.2); and 1 more; short protein forms K638del, K777del, K642del, K694del, K840del, K518del, K705del, K723del.
Identifiers: ClinVar variation 821365 (VCV000821365.4), dbSNP rs1583269980, ClinGen allele CA915944846.
Genomic context (GRCh38, chr7:5,973,501, plus strand): 5'-GGTTGGCCTTCCATGGGGACAGTTCCAGGGGTGGTCCATCTCCCCCATGTGGGTGATCAG[TTTC>T]TTCATCTCGCTTGTGTTAAGAGCAGTCCCAATCATCACCTGAGTGTGAGACACAATGGTT-3'